The following is an entry in ClinVar:

ClinVar aggregate classification (germline): Pathogenic/Likely pathogenic. Review status: criteria provided, multiple submitters, no conflicts (2 of 4 stars). 2 submissions from 2 submitters: Pathogenic (1); Likely pathogenic (1). Last evaluated 2023-04-15.

Conditions:
Joubert syndrome 23 (JBTS23). Identifiers: Orphanet 475, MedGen C4084822, MONDO:0014664, OMIM 616490.
Short-rib thoracic dysplasia 14 with polydactyly (SRTD14). Identifiers: Orphanet 397715, MedGen C4225286, MONDO:0014688, OMIM 616546.

Submissions (2):

Labcorp Genetics (formerly Invitae), Labcorp
Classification: Pathogenic for Joubert syndrome 23; Short-rib thoracic dysplasia 14 with polydactyly. Last evaluated: 2023-04-15. Review status: criteria provided, single submitter. Criteria: Invitae Variant Classification Sherloc (09022015). Collection method: clinical testing. Allele origin: germline.
Comment: For these reasons, this variant has been classified as Pathogenic. This variant has not been reported in the literature in individuals affected with KIAA0586-related conditions. This variant is not present in population databases (gnomAD no frequency). This sequence change creates a premature translational stop signal (p.Met1415Alafs*6) in the KIAA0586 gene. It is expected to result in an absent or disrupted protein product. Loss-of-function variants in KIAA0586 are known to be pathogenic (PMID: 26096313, 26166481, 26386044).

Genetic Services Laboratory, University of Chicago
Classification: Likely pathogenic for Joubert syndrome 23. Last evaluated: 2016-11-30. Review status: criteria provided, single submitter. Criteria: ACMG Guidelines, 2015. Collection method: clinical testing. Allele origin: germline. Affected: yes.

Literature cited by the submitters: PubMed 26096313 (cited by Labcorp Genetics (formerly Invitae), Labcorp); PubMed 26166481 (cited by Labcorp Genetics (formerly Invitae), Labcorp); PubMed 26386044 (cited by Labcorp Genetics (formerly Invitae), Labcorp).

NM_001329943.3(KIAA0586):c.4080_4081del (p.Met1362fs)

Gene: KIAA0586 (KIAA0586; plus strand). Cytogenetic location: 14q23.1.
Variant type: Microsatellite.
Coding change: c.4080_4081del on transcript NM_001329943.3 (MANE Select); coding-DNA positions 4080 to 4081, 2 bases deleted (CT; older notation c.4080_4081delCT).
Protein change: p.Met1362fs; shifts the reading frame from methionine 1362.
Molecular consequence: frameshift variant.
Genome position (GRCh38, 1-based): chr14:58,498,872-58,498,873, CT deleted; deleting any 2 consecutive bases within chr14:58,498,867-58,498,873 gives the same sequence; the c. name uses the placement nearest the transcript's 3' end. VCF-style (leftmost placement, unchanged base first): chr14-58498866-TTC-T. GRCh37 (hg19) VCF-style: chr14-58965584-TTC-T.
Other names: c.4080_4081del, p.Met1362fs (NM_001329944.2, NM_001329946.2); c.3825_3826del, p.Met1277fs (NM_001329945.2, NM_001364700.1, NM_001364701.2 and 1 more transcripts); c.3948_3949del, p.Met1318fs (NM_001329947.2, NM_001244192.2); c.3852_3853del, p.Met1286fs (NM_014749.5); c.4239_4240del, p.Met1415fs (NM_001244189.2); c.4035_4036del, p.Met1347fs (NM_001244190.2); c.3660_3661del, p.Met1222fs (NM_001244193.2); short protein forms M1318fs, M1347fs, M1362fs, M1415fs, M1222fs, M1277fs, M1286fs.
Identifiers: ClinVar variation 435569 (VCV000435569.9), dbSNP rs867342730, ClinGen allele CA261654520.